The following is an entry in ClinVar:

NM_001375524.1(TRRAP):c.10840C>T (p.Arg3614Cys)

Gene: TRRAP (transformation/transcription domain associated protein; plus strand). Cytogenetic location: 7q22.1.
Variant type: single nucleotide variant.
Coding change: c.10840C>T on transcript NM_001375524.1 (MANE Select); coding-DNA position 10840, C replaced by T.
Protein change: p.Arg3614Cys; replaces arginine 3614 with cysteine.
Molecular consequence: missense variant.
Genome position (GRCh38, 1-based): chr7:99,008,463, C>T. VCF-style: chr7-99008463-C-T. GRCh37 (hg19) VCF-style: chr7-98606086-C-T.
Other names: c.10798C>T, p.Arg3600Cys (NM_001244580.2); c.10711C>T, p.Arg3571Cys (NM_003496.4); short protein forms R3571C, R3600C, R3614C.
Identifiers: ClinVar variation 1418068 (VCV001418068.6), dbSNP rs748375895, ClinGen allele CA4362012.

ClinVar aggregate classification (germline): Uncertain significance (1 of 4 stars; one submission).

Allele frequency attached by ClinVar (database versions not stated): TOPMed 0.00005; gnomAD 0.00006; gnomAD exomes 0.00009; ExAC 0.00016.

Submission:

Labcorp Genetics (formerly Invitae), Labcorp
Classification: Uncertain significance. Last evaluated: 2023-02-08. Review status: criteria provided, single submitter. Criteria: Invitae Variant Classification Sherloc (09022015). Collection method: clinical testing. Allele origin: germline.
Comment: This sequence change replaces arginine, which is basic and polar, with cysteine, which is neutral and slightly polar, at codon 3571 of the TRRAP protein (p.Arg3571Cys). This variant is present in population databases (rs748375895, gnomAD 0.02%), including at least one homozygous and/or hemizygous individual. This variant has not been reported in the literature in individuals affected with TRRAP-related conditions. ClinVar contains an entry for this variant (Variation ID: 1418068). Advanced modeling of protein sequence and biophysical properties (such as structural, functional, and spatial information, amino acid conservation, physicochemical variation, residue mobility, and thermodynamic stability) performed at Invitae indicates that this missense variant is not expected to disrupt TRRAP protein function. In summary, the available evidence is currently insufficient to determine the role of this variant in disease. Therefore, it has been classified as a Variant of Uncertain Significance.